The following is an entry in ClinVar:

ClinVar aggregate classification (germline): Benign (1 of 4 stars; one submission).

Conditions:
Neuropathy, hereditary sensory and autonomic, type 1C. Also called: HSAN IC; HSN IC. Identifiers: Orphanet 36386, MedGen C3150896, MONDO:0013337, OMIM 613640.

Allele frequency attached by ClinVar (database versions not stated): 1000 Genomes Project 0.00060; 1000 Genomes Project 30x 0.00062; TOPMed 0.00116; gnomAD 0.00215 and 0.00220.
gnomAD v4.1: 822 of 361,960 alleles (0.23%); highest among the groups gnomAD compares: Non-Finnish European, 0.23%; 1 homozygote.

Submission:

Illumina Laboratory Services, Illumina
Classification: Benign for Neuropathy, hereditary sensory and autonomic, type 1C. Last evaluated: 2018-01-13. Review status: criteria provided, single submitter. Criteria: ICSL Variant Classification Criteria 13 December 2019. Collection method: clinical testing. Allele origin: germline.
Comment: This variant was observed in the ICSL laboratory as part of a predisposition screen in an ostensibly healthy population. It had not been previously curated by ICSL or reported in the Human Gene Mutation Database (HGMD: prior to June 1st, 2018), and was therefore a candidate for classification through an automated scoring system. Utilizing variant allele frequency, disease prevalence and penetrance estimates, and inheritance mode, an automated score was calculated to assess if this variant is too frequent to cause the disease. Based on the score and internal cut-off values, a variant classified as benign is not then subjected to further curation. The score for this variant resulted in a classification of benign for this disease.

NM_004863.4(SPTLC2):c.*2645C>T

Gene: SPTLC2 (serine palmitoyltransferase long chain base subunit 2; minus strand). Cytogenetic location: 14q24.3.
Variant type: single nucleotide variant.
Coding change: c.*2645C>T on transcript NM_004863.4 (MANE Select); 2645 bases downstream of the stop codon, C replaced by T.
Molecular consequence: 3 prime UTR variant.
Genome position (GRCh38, 1-based): chr14:77,509,639, G>A on the plus strand (C>T on the coding strand, the complement: SPTLC2 is on the minus strand). VCF-style: chr14-77509639-G-A. GRCh37 (hg19) VCF-style: chr14-77975982-G-A.
Identifiers: ClinVar variation 314624 (VCV000314624.5), dbSNP rs78577388, ClinGen allele CA10645079.
Genomic context (GRCh38, chr14:77,509,639, plus strand): 5'-GGCCGTGTTAAACTGTGTAAGAAACTACTCTTGTATGCCTCAAATCGACTTATTCTCAAT[G>A]ACTGTATTTATATATACTTGTATTCCTCCAAGTACTTGGATAAATGATGATACCTAGGAT-3'